The following is an entry in ClinVar:

ClinVar aggregate classification (germline): Conflicting classifications of pathogenicity. Review status: criteria provided, conflicting classifications (1 of 4 stars). 3 submissions from 3 submitters: Uncertain significance (2); Likely benign (1). Last evaluated 2023-10-13.

Conditions:
Inborn genetic diseases. Identifiers: MedGen C0950123, MeSH D030342.

Allele frequency attached by ClinVar (database versions not stated): gnomAD 0.00004; gnomAD exomes 0.00004 and 0.00005; ExAC 0.00007; TOPMed 0.00007.
gnomAD v4.1: 64 of 1,613,112 alleles (0.004%); highest among the groups gnomAD compares: Admixed American, 0.0067%; no homozygotes.

Submissions (3):

Labcorp Genetics (formerly Invitae), Labcorp
Classification: Uncertain significance. Last evaluated: 2023-10-13. Review status: criteria provided, single submitter. Criteria: Invitae Variant Classification Sherloc (09022015). Collection method: clinical testing. Allele origin: germline.
Comment: This sequence change replaces proline, which is neutral and non-polar, with leucine, which is neutral and non-polar, at codon 67 of the KIAA1549 protein (p.Pro67Leu). This variant is present in population databases (rs762407683, gnomAD 0.007%). This variant has not been reported in the literature in individuals affected with KIAA1549-related conditions. ClinVar contains an entry for this variant (Variation ID: 1039555). Algorithms developed to predict the effect of missense changes on protein structure and function output the following: SIFT: "Not Available"; PolyPhen-2: "Benign"; Align-GVGD: "Not Available". The leucine amino acid residue is found in multiple mammalian species, which suggests that this missense change does not adversely affect protein function. In summary, the available evidence is currently insufficient to determine the role of this variant in disease. Therefore, it has been classified as a Variant of Uncertain Significance.

Blueprint Genetics
Classification: Uncertain significance. Last evaluated: 2023-03-14. Review status: criteria provided, single submitter. Criteria: ACMG Guidelines, 2015. Collection method: clinical testing. Allele origin: germline.

Ambry Genetics
Classification: Likely benign for Inborn genetic diseases. Last evaluated: 2022-11-21. Review status: criteria provided, single submitter. Criteria: Ambry Variant Classification Scheme 2023. Collection method: clinical testing. Allele origin: germline.

NM_001164665.2(KIAA1549):c.200C>T (p.Pro67Leu)

Gene: KIAA1549 (KIAA1549; minus strand). Cytogenetic location: 7q34.
Variant type: single nucleotide variant.
Coding change: c.200C>T on transcript NM_001164665.2 (MANE Select); coding-DNA position 200, C replaced by T.
Protein change: p.Pro67Leu; replaces proline 67 with leucine.
Molecular consequence: missense variant.
Genome position (GRCh38, 1-based): chr7:138,919,426, G>A on the plus strand (C>T on the coding strand, the complement: KIAA1549 is on the minus strand). VCF-style: chr7-138919426-G-A. GRCh37 (hg19) VCF-style: chr7-138604172-G-A.
Other names: c.200C>T, p.Pro67Leu (NM_020910.3); c.200C>T (NM_001164665.1); short protein forms P67L.
Identifiers: ClinVar variation 1039555 (VCV001039555.9), dbSNP rs762407683, ClinGen allele CA4506999.